The following is an entry in ClinVar:

NM_000132.4(F8):c.1904G>A (p.Ser635Asn)

Gene: F8 (coagulation factor VIII; minus strand). Cytogenetic location: Xq28.
Variant type: single nucleotide variant.
Coding change: c.1904G>A on transcript NM_000132.4 (MANE Select); coding-DNA position 1904, G replaced by A.
Protein change: p.Ser635Asn; replaces serine 635 with asparagine.
Molecular consequence: missense variant.
Genome position (GRCh38, 1-based): chrX:154,947,907, C>T on the plus strand (G>A on the coding strand, the complement: F8 is on the minus strand). VCF-style: chrX-154947907-C-T. GRCh37 (hg19) VCF-style: chrX-154176182-C-T.
Other names: short protein forms S635N.
Identifiers: ClinVar variation 3344052 (VCV003344052.1).

ClinVar aggregate classification (germline): Uncertain significance (0 of 4 stars; one submission).

Conditions:
F8-related disorder. Also called: F8-related condition.

Submission:

PreventionGenetics, part of Exact Sciences
Classification: Uncertain significance for F8-related condition. Last evaluated: 2024-04-26. Review status: no assertion criteria provided. Collection method: clinical testing. Allele origin: germline.
Comment: The F8 c.1904G>A variant is predicted to result in the amino acid substitution p.Ser635Asn. This variant has been reported in an individual with Hemophilia A (reported as p.Ser616Asn, Liu et al. 2002. PubMed ID: 11858487). This variant has not been reported in a large population database, indicating this variant is rare. At this time, the clinical significance of this variant is uncertain due to the absence of conclusive functional and genetic evidence.